The following is an entry in ClinVar:

ClinVar aggregate classification (germline): Uncertain significance (1 of 4 stars; one submission).

Allele frequency attached by ClinVar (database versions not stated): gnomAD exomes below 0.00001; TOPMed below 0.00001; ExAC 0.00002.
gnomAD v4.1: 2 of 1,614,126 alleles (0.00012%); highest among the groups gnomAD compares: Non-Finnish European, 0.00017%; no homozygotes.

Submission:

Labcorp Genetics (formerly Invitae), Labcorp
Classification: Uncertain significance. Last evaluated: 2021-12-02. Review status: criteria provided, single submitter. Criteria: Invitae Variant Classification Sherloc (09022015). Collection method: clinical testing. Allele origin: germline.
Comment: This variant is present in population databases (rs760870238, gnomAD 0.002%). This sequence change replaces threonine, which is neutral and polar, with arginine, which is basic and polar, at codon 264 of the LPIN1 protein (p.Thr264Arg). This variant has not been reported in the literature in individuals affected with LPIN1-related conditions. Algorithms developed to predict the effect of missense changes on protein structure and function (SIFT, PolyPhen-2, Align-GVGD) all suggest that this variant is likely to be tolerated. In summary, the available evidence is currently insufficient to determine the role of this variant in disease. Therefore, it has been classified as a Variant of Uncertain Significance.

NM_001349206.2(LPIN1):c.899C>G (p.Thr300Arg)

Genes: LPIN1 (lipin 1; plus strand), LOC126806147 (CDK7 strongly-dependent group 2 enhancer GRCh37_chr2:11919054-11920253; plus strand). Cytogenetic location: 2p25.1.
Variant type: single nucleotide variant.
Coding change: c.899C>G on transcript NM_001349206.2 (MANE Select); coding-DNA position 899, C replaced by G.
Protein change: p.Thr300Arg; replaces threonine 300 with arginine.
Molecular consequence: missense variant. On other transcripts: non-coding transcript variant (1).
Genome position (GRCh38, 1-based): chr2:11,779,587, C>G. VCF-style: chr2-11779587-C-G. GRCh37 (hg19) VCF-style: chr2-11919713-C-G.
Other names: c.809C>G, p.Thr270Arg (NM_001261427.3); c.1046C>G, p.Thr349Arg (NM_001261428.3); c.791C>G, p.Thr264Arg (NM_001349199.2, NM_001349200.2, NM_001349201.2 and 1 more transcripts); c.896C>G, p.Thr299Arg (NM_001349202.2, NM_001349203.2); c.899C>G, p.Thr300Arg (NM_001349204.2, NM_001349205.2); c.989C>G, p.Thr330Arg (NM_001349207.2); c.938C>G, p.Thr313Arg (NM_001349208.2); short protein forms T313R, T299R, T300R, T330R, T349R, T264R, T270R.
Identifiers: ClinVar variation 1964073 (VCV001964073.5), dbSNP rs760870238, ClinGen allele CA1533537.